The following is an entry in ClinVar:

ClinVar aggregate classification (germline): Uncertain significance (1 of 4 stars; one submission).

Conditions:
Cutis laxa, autosomal dominant 3 (ADCL3). Identifiers: Orphanet 90348, MedGen C4225268, MONDO:0014706, OMIM 616603.
Autosomal dominant spastic paraplegia type 9. Identifiers: MedGen C1832669, MONDO:0015091.
de Barsy syndrome. Also called: Cutis laxa-corneal clouding-oligophrenia syndrome. Identifiers: Orphanet 2962, MedGen C0268354, MONDO:0017569.

gnomAD v4.1: 1 of 1,614,216 alleles (0.000062%); highest among the groups gnomAD compares: Non-Finnish European, 0.000085%; no homozygotes.

Submission:

Labcorp Genetics (formerly Invitae), Labcorp
Classification: Uncertain significance for Autosomal dominant spastic paraplegia type 9; de Barsy syndrome; Cutis laxa, autosomal dominant 3. Last evaluated: 2025-11-30. Review status: criteria provided, single submitter. Criteria: Invitae Variant Classification Sherloc (09022015). Collection method: clinical testing. Allele origin: germline.
Comment: This sequence change creates a premature translational stop signal (p.Trp762*) in the ALDH18A1 gene. While this is not anticipated to result in nonsense mediated decay, it is expected to disrupt the last 34 amino acid(s) of the ALDH18A1 protein. This variant is not present in population databases (gnomAD no frequency). This variant has not been reported in the literature in individuals affected with ALDH18A1-related conditions. This variant disrupts a region of the ALDH18A1 protein in which other variant(s) (p.Arg765Gln) have been observed in individuals with ALDH18A1-related conditions (PMID: 25077174). This suggests that this is a clinically significant region of the protein, and that variants that disrupt it are likely to be disease-causing. In summary, the available evidence is currently insufficient to determine the role of this variant in disease. Therefore, it has been classified as a Variant of Uncertain Significance.

Literature cited by the submitters: PubMed 25077174.

NM_002860.4(ALDH18A1):c.2286G>A (p.Trp762Ter)

Gene: ALDH18A1 (aldehyde dehydrogenase 18 family member A1; minus strand). Cytogenetic location: 10q24.1.
Variant type: single nucleotide variant.
Coding change: c.2286G>A on transcript NM_002860.4 (MANE Select); coding-DNA position 2286, G replaced by A.
Protein change: p.Trp762Ter; replaces tryptophan 762 with a stop codon.
Molecular consequence: nonsense.
Genome position (GRCh38, 1-based): chr10:95,606,864, C>T on the plus strand (G>A on the coding strand, the complement: ALDH18A1 is on the minus strand). VCF-style: chr10-95606864-C-T. GRCh37 (hg19) VCF-style: chr10-97366621-C-T.
Other names: c.2280G>A, p.Trp760Ter (NM_001017423.2, NM_001323415.2); c.1953G>A, p.Trp651Ter (NM_001323412.2, NM_001323416.2); c.2286G>A, p.Trp762Ter (NM_001323413.2, NM_001323414.2); c.2181G>A, p.Trp727Ter (NM_001323417.2); c.1947G>A, p.Trp649Ter (NM_001323418.2); c.1650G>A, p.Trp550Ter (NM_001323419.2); short protein forms W649*, W651*, W762*, W727*, W550*, W760*.
Identifiers: ClinVar variation 4794664 (VCV004794664.1).
Genomic context (GRCh38, chr10:95,606,864, plus strand): 5'-ATATTTTAAACTTCCATGCTCTGAGAAATCTGAGACCACGTGGTCCTTCCCTCGCAGCAG[C>T]CACTTAGTAGTAAGCAGTCCCTCAAGTCCTACTGGTCCCCGGGCGTGGATTCTCGATGTA-3'